The following is an entry in ClinVar:

NM_020928.2(ZSWIM6):c.2498A>G (p.Gln833Arg)

Gene: ZSWIM6 (zinc finger SWIM-type containing 6; plus strand). Cytogenetic location: 5q12.1.
Variant type: single nucleotide variant.
Coding change: c.2498A>G on transcript NM_020928.2 (MANE Select); coding-DNA position 2498, A replaced by G.
Protein change: p.Gln833Arg; replaces glutamine 833 with arginine.
Molecular consequence: missense variant.
Genome position (GRCh38, 1-based): chr5:61,538,930, A>G. VCF-style: chr5-61538930-A-G. GRCh37 (hg19) VCF-style: chr5-60834757-A-G.
Other names: short protein forms Q833R.
Identifiers: ClinVar variation 1388652 (VCV001388652.7), dbSNP rs2112288917, ClinGen allele CA359945479.

ClinVar aggregate classification (germline): Uncertain significance. Review status: criteria provided, multiple submitters, no conflicts (2 of 4 stars). 2 submissions from 2 submitters: Uncertain significance (2). Last evaluated 2024-11-05.

Submissions (2):

Labcorp Genetics (formerly Invitae), Labcorp
Classification: Uncertain significance. Last evaluated: 2024-11-05. Review status: criteria provided, single submitter. Criteria: Invitae Variant Classification Sherloc (09022015). Collection method: clinical testing. Allele origin: germline.
Comment: This sequence change replaces glutamine, which is neutral and polar, with arginine, which is basic and polar, at codon 833 of the ZSWIM6 protein (p.Gln833Arg). This variant is not present in population databases (gnomAD no frequency). This variant has not been reported in the literature in individuals affected with ZSWIM6-related conditions. ClinVar contains an entry for this variant (Variation ID: 1388652). Invitae Evidence Modeling of protein sequence and biophysical properties (such as structural, functional, and spatial information, amino acid conservation, physicochemical variation, residue mobility, and thermodynamic stability) indicates that this missense variant is not expected to disrupt ZSWIM6 protein function with a negative predictive value of 80%. In summary, the available evidence is currently insufficient to determine the role of this variant in disease. Therefore, it has been classified as a Variant of Uncertain Significance.

Blueprint Genetics
Classification: Uncertain significance. Last evaluated: 2023-03-30. Review status: criteria provided, single submitter. Criteria: ACMG Guidelines, 2015. Collection method: clinical testing. Allele origin: germline.